The following is an entry in ClinVar:

NM_001146079.2(CLDN14):c.561C>G (p.Asp187Glu)

Genes: CLDN14 (claudin 14; minus strand), CLDN14-AS1 (CLDN14 antisense RNA 1; plus strand). Cytogenetic location: 21q22.13.
Variant type: single nucleotide variant.
Coding change: c.561C>G on transcript NM_001146079.2 (MANE Select); coding-DNA position 561, C replaced by G.
Protein change: p.Asp187Glu; replaces aspartic acid 187 with glutamic acid.
Molecular consequence: missense variant.
Genome position (GRCh38, 1-based): chr21:36,461,135, G>C on the plus strand (C>G on the coding strand, the complement: CLDN14 is on the minus strand). VCF-style: chr21-36461135-G-C. GRCh37 (hg19) VCF-style: chr21-37833433-G-C.
Other names: c.561C>G, p.Asp187Glu (NM_001146077.2, NM_001146078.3, NM_012130.4 and 1 more transcripts); short protein forms D187E.
Identifiers: ClinVar variation 4530812 (VCV004530812.1).

ClinVar aggregate classification (germline): Uncertain significance (1 of 4 stars; one submission).

gnomAD v4.1: 11 of 1,613,970 alleles (0.00068%); highest among the groups gnomAD compares: Admixed American, 0.0083%; no homozygotes.

Submission:

GeneDx
Classification: Uncertain significance. Last evaluated: 2025-05-21. Review status: criteria provided, single submitter. Criteria: GeneDx Variant Classification Process June 2021. Collection method: clinical testing. Allele origin: germline. Affected: yes.
Comment: In silico analysis suggests that this missense variant does not alter protein structure/function; Has not been previously published as pathogenic or benign to our knowledge